The following is an entry in ClinVar:

ClinVar aggregate classification (germline): Uncertain significance. Review status: criteria provided, multiple submitters, no conflicts (2 of 4 stars). 2 submissions from 2 submitters: Uncertain significance (2). Last evaluated 2024-03-13.

Allele frequency attached by ClinVar (database versions not stated): gnomAD exomes below 0.00001 and 0.00003; TOPMed below 0.00001; ExAC 0.00001; gnomAD 0.00001.

Submissions (2):

Ambry Genetics
Classification: Uncertain significance. Last evaluated: 2024-03-13. Review status: criteria provided, single submitter. Criteria: Ambry Variant Classification Scheme 2023. Collection method: clinical testing. Allele origin: germline.
Comment: The p.M110V variant (also known as c.328A>G), located in coding exon 5 of the FAM175A gene, results from an A to G substitution at nucleotide position 328. The methionine at codon 110 is replaced by valine, an amino acid with highly similar properties. This amino acid position is conserved. In addition, the in silico prediction for this alteration is inconclusive. Since supporting evidence is limited at this time, the clinical significance of this alteration remains unclear.

Labcorp Genetics (formerly Invitae), Labcorp
Classification: Uncertain significance. Last evaluated: 2020-08-11. Review status: criteria provided, single submitter. Criteria: Invitae Variant Classification Sherloc (09022015). Collection method: clinical testing. Allele origin: germline.
Comment: This variant has not been reported in the literature in individuals with ABRAXAS1-related conditions. Algorithms developed to predict the effect of missense changes on protein structure and function are either unavailable or do not agree on the potential impact of this missense change (SIFT: "Deleterious"; PolyPhen-2: "Benign"; Align-GVGD: "Class C0"). In summary, the available evidence is currently insufficient to determine the role of this variant in disease. Therefore, it has been classified as a Variant of Uncertain Significance. This variant is present in population databases (rs756903113, ExAC 0.001%). This sequence change replaces methionine with valine at codon 110 of the ABRAXAS1 protein (p.Met110Val). The methionine residue is highly conserved and there is a small physicochemical difference between methionine and valine.

NM_139076.3(ABRAXAS1):c.328A>G (p.Met110Val)

Gene: ABRAXAS1 (abraxas 1, BRCA1 A complex subunit; minus strand). Cytogenetic location: 4q21.23.
Variant type: single nucleotide variant.
Coding change: c.328A>G on transcript NM_139076.3 (MANE Select); coding-DNA position 328, A replaced by G.
Protein change: p.Met110Val; replaces methionine 110 with valine.
Molecular consequence: missense variant. On other transcripts: initiator codon variant (1).
Genome position (GRCh38, 1-based): chr4:83,470,351, T>C on the plus strand (A>G on the coding strand, the complement: ABRAXAS1 is on the minus strand). VCF-style: chr4-83470351-T-C. GRCh37 (hg19) VCF-style: chr4-84391504-T-C.
Other names: c.1A>G, p.Met1Val (NM_001345962.2); short protein forms M110V, M1V.
Identifiers: ClinVar variation 998961 (VCV000998961.11), dbSNP rs756903113, ClinGen allele CA2990572.